The following is an entry in ClinVar:

ClinVar aggregate classification (germline): Uncertain significance. Review status: criteria provided, multiple submitters, no conflicts (2 of 4 stars). 4 submissions from 4 submitters: Uncertain significance (4). Last evaluated 2026-03-27.

Conditions:
Inborn genetic diseases. Identifiers: MedGen C0950123, MeSH D030342.
Autosomal dominant nonsyndromic hearing loss 65. Also called: Deafness, autosomal dominant 65; TBC1D24-Related Autosomal Dominant Nonsyndromic Hearing Loss (DFNA). Identifiers: Orphanet 90635, MedGen C3892048, MONDO:0014470, OMIM 616044.
Developmental and epileptic encephalopathy, 1 (DEE1). Also called: INFANTILE SPASM SYNDROME, X-LINKED 1; X-linked infantile spasms; West's syndrome; Tonic spasms with clustering, arrest of psychomotor development and hypsarrhythmia on EEG; X-Linked Infantile Spasm Syndrome; OHTAHARA SYNDROME, X-LINKED. Identifiers: MedGen C3463992, MONDO:0010632, OMIM 308350. Disease mechanism: loss of function.

Allele frequency attached by ClinVar (database versions not stated): gnomAD exomes 0.00001; TOPMed 0.00001; gnomAD 0.00002; 1000 Genomes Project 30x 0.00016; 1000 Genomes Project 0.00020.
gnomAD v4.1: 19 of 1,612,616 alleles (0.0012%); highest among the groups gnomAD compares: East Asian, 0.0067%; no homozygotes.

Submissions (4):

GeneDx
Classification: Uncertain significance. Last evaluated: 2026-03-27. Review status: criteria provided, single submitter. Criteria: GeneDx Variant Classification Process June 2021. Collection method: clinical testing. Allele origin: germline.
Comment: Not observed at significant frequency in large population cohorts (gnomAD); In silico analysis suggests that this missense variant does not alter protein structure/function; Has not been previously published as pathogenic or benign to our knowledge

Labcorp Genetics (formerly Invitae), Labcorp
Classification: Uncertain significance for Developmental and epileptic encephalopathy, 1; Autosomal dominant nonsyndromic hearing loss 65. Last evaluated: 2025-02-17. Review status: criteria provided, single submitter. Criteria: Invitae Variant Classification Sherloc (09022015). Collection method: clinical testing. Allele origin: germline.
Comment: This sequence change replaces threonine, which is neutral and polar, with methionine, which is neutral and non-polar, at codon 99 of the TBC1D24 protein (p.Thr99Met). This variant is present in population databases (rs563225469, gnomAD 0.0009%). This variant has not been reported in the literature in individuals affected with TBC1D24-related conditions. ClinVar contains an entry for this variant (Variation ID: 2235283). Invitae Evidence Modeling of protein sequence and biophysical properties (such as structural, functional, and spatial information, amino acid conservation, physicochemical variation, residue mobility, and thermodynamic stability) indicates that this missense variant is not expected to disrupt TBC1D24 protein function with a negative predictive value of 95%. In summary, the available evidence is currently insufficient to determine the role of this variant in disease. Therefore, it has been classified as a Variant of Uncertain Significance.

Blueprint Genetics
Classification: Uncertain significance. Last evaluated: 2022-09-14. Review status: criteria provided, single submitter. Criteria: ACMG Guidelines, 2015. Collection method: clinical testing. Allele origin: germline.

Ambry Genetics
Classification: Uncertain significance for Inborn genetic diseases. Last evaluated: 2021-07-06. Review status: criteria provided, single submitter. Criteria: Ambry Variant Classification Scheme 2023. Collection method: clinical testing. Allele origin: germline.

NM_001199107.2(TBC1D24):c.296C>T (p.Thr99Met)

Gene: TBC1D24 (TBC1 domain family member 24; plus strand). Cytogenetic location: 16p13.3.
Variant type: single nucleotide variant.
Coding change: c.296C>T on transcript NM_001199107.2 (MANE Select); coding-DNA position 296, C replaced by T.
Protein change: p.Thr99Met; replaces threonine 99 with methionine.
Molecular consequence: missense variant.
Genome position (GRCh38, 1-based): chr16:2,496,444, C>T. VCF-style: chr16-2496444-C-T. GRCh37 (hg19) VCF-style: chr16-2546445-C-T.
Other names: c.296C>T, p.Thr99Met (NM_020705.3); short protein forms T99M.
Identifiers: ClinVar variation 2235283 (VCV002235283.7), dbSNP rs563225469, ClinGen allele CA276809620.